The following is an entry in ClinVar:

ClinVar aggregate classification (germline): Pathogenic (1 of 4 stars; one submission).

Submission:

Labcorp Genetics (formerly Invitae), Labcorp
Classification: Pathogenic. Last evaluated: 2023-08-02. Review status: criteria provided, single submitter. Criteria: Invitae Variant Classification Sherloc (09022015). Collection method: clinical testing. Allele origin: germline.
Comment: For these reasons, this variant has been classified as Pathogenic. This variant disrupts a region of the NDUFAF2 protein in which other variant(s) (p.Trp74*) have been determined to be pathogenic (PMID: 20818383). This suggests that this is a clinically significant region of the protein, and that variants that disrupt it are likely to be disease-causing. This variant has not been reported in the literature in individuals affected with NDUFAF2-related conditions. This variant is a gross deletion of the genomic region encompassing exon(s) 3 of the NDUFAF2 gene. While this deletion is not anticipated to lead to nonsense mediated decay, it is expected to disrupt the C-terminus of the protein.

Literature cited by the submitters: PubMed 20818383.

NC_000005.9:g.(?_60394799)_(60394879_?)del

Gene: NDUFAF2 (NADH:ubiquinone oxidoreductase complex assembly factor 2; plus strand). Cytogenetic location: 5q12.1.
Variant type: Deletion.
Identifiers: ClinVar variation 2427520 (VCV002427520.4).